The following is an entry in ClinVar:

NM_001035.3(RYR2):c.8559A>C (p.Ala2853=)

Gene: RYR2 (ryanodine receptor 2; plus strand). Cytogenetic location: 1q43.
Variant type: single nucleotide variant.
Coding change: c.8559A>C on transcript NM_001035.3 (MANE Select); coding-DNA position 8559, A replaced by C.
Protein change: p.Ala2853=; no amino-acid change (alanine 2853 retained).
Molecular consequence: synonymous variant.
Genome position (GRCh38, 1-based): chr1:237,667,927, A>C. VCF-style: chr1-237667927-A-C. GRCh37 (hg19) VCF-style: chr1-237831227-A-C.
Identifiers: ClinVar variation 926835 (VCV000926835.13), dbSNP rs1381591533, ClinGen allele CA423821252.
Genomic context (GRCh38, chr1:237,667,927, plus strand): 5'-TTTTTGTTCATTTAAGGCTATGGCAGAAATGATGGCTGAAAACTACCATAATATATGGGC[A>C]AAGAAAAAGAAAATGGAGTTGGAGTCCAAAGGTAATATTTTCTAAAAACGTTTATTAAAA-3'
Protein context (NP_001026.2, residues 2843-2863): MMAENYHNIW[Ala2853=]KKKKMELESK

ClinVar aggregate classification (germline): Likely benign. Review status: criteria provided, multiple submitters, no conflicts (2 of 4 stars). 3 submissions from 3 submitters: Likely benign (3). Last evaluated 2025-12-26.

Conditions:
Catecholaminergic polymorphic ventricular tachycardia (CVPT). Also called: Catecholamine-induced polymorphic ventricular tachycardia. Identifiers: Orphanet 3286, MedGen C5574922, MONDO:0017990.
Cardiomyopathy (CMYO). Also called: Cardiomyopathies. Identifiers: Orphanet 167848, MedGen C0878544, MONDO:0004994, HP:0001638. Inheritance: Various modes of inheritance.
Catecholaminergic polymorphic ventricular tachycardia 1. Also called: VENTRICULAR TACHYCARDIA, CATECHOLAMINERGIC POLYMORPHIC, 1, WITH OR WITHOUT ATRIAL DYSFUNCTION AND/OR DILATED CARDIOMYOPATHY; VENTRICULAR TACHYCARDIA, STRESS-INDUCED POLYMORPHIC 1; RYR2-Related Catecholaminergic Polymorphic Ventricular Tachycardia. Identifiers: Orphanet 3286, MedGen C1631597, MONDO:0011484, OMIM 604772.

Allele frequency attached by ClinVar (database versions not stated): gnomAD 0.00001.
gnomAD v4.1: 1 of 1,582,836 alleles (0.000063%); highest among the groups gnomAD compares: Non-Finnish European, 0.000086%; no homozygotes.

Submissions (3):

Labcorp Genetics (formerly Invitae), Labcorp
Classification: Likely benign for Catecholaminergic polymorphic ventricular tachycardia 1. Last evaluated: 2025-12-26. Review status: criteria provided, single submitter. Criteria: Invitae Variant Classification Sherloc (09022015). Collection method: clinical testing. Allele origin: germline.

All of Us Research Program, National Institutes of Health
Classification: Likely benign for Catecholaminergic polymorphic ventricular tachycardia. Last evaluated: 2023-12-13. Review status: criteria provided, single submitter. Criteria: ACMG Guidelines, 2015. Collection method: clinical testing. Allele origin: germline. Inheritance: Autosomal dominant inheritance. Observed: 3 variant alleles, 3 heterozygotes.
Comment: This study involves interpretation of variants in research participants for the purpose of population health screening. Participant phenotype was not available at the time of variant classification. Additional details can be found in publication PMID: 35346344, PMCID: PMC8962531

Color Diagnostics, LLC DBA Color Health
Classification: Likely benign for Cardiomyopathy. Last evaluated: 2019-04-28. Review status: criteria provided, single submitter. Criteria: ACMG Guidelines, 2015. Collection method: clinical testing. Allele origin: germline.